The following is an entry in ClinVar:

ClinVar aggregate classification (germline): Uncertain significance (1 of 4 stars; one submission).

Conditions:
Vici syndrome (VICIS). Identifiers: Orphanet 1493, MedGen C1855772, MONDO:0009452, OMIM 242840.

Submission:

Labcorp Genetics (formerly Invitae), Labcorp
Classification: Uncertain significance for Vici syndrome. Last evaluated: 2022-02-28. Review status: criteria provided, single submitter. Criteria: Invitae Variant Classification Sherloc (09022015). Collection method: clinical testing. Allele origin: germline.
Comment: This sequence change replaces asparagine, which is neutral and polar, with tyrosine, which is neutral and polar, at codon 1262 of the EPG5 protein (p.Asn1262Tyr). In summary, the available evidence is currently insufficient to determine the role of this variant in disease. Therefore, it has been classified as a Variant of Uncertain Significance. Algorithms developed to predict the effect of missense changes on protein structure and function are either unavailable or do not agree on the potential impact of this missense change (SIFT: "Deleterious"; PolyPhen-2: "Probably Damaging"; Align-GVGD: "Class C0"). This variant has not been reported in the literature in individuals affected with EPG5-related conditions. This variant is not present in population databases (gnomAD no frequency).

NM_020964.3(EPG5):c.3784A>T (p.Asn1262Tyr)

Gene: EPG5 (ectopic P-granules 5 autophagy tethering factor; minus strand). Cytogenetic location: 18q21.1.
Variant type: single nucleotide variant.
Coding change: c.3784A>T on transcript NM_020964.3 (MANE Select); coding-DNA position 3784, A replaced by T.
Protein change: p.Asn1262Tyr; replaces asparagine 1262 with tyrosine.
Molecular consequence: missense variant.
Genome position (GRCh38, 1-based): chr18:45,913,738, T>A on the plus strand (A>T on the coding strand, the complement: EPG5 is on the minus strand). VCF-style: chr18-45913738-T-A. GRCh37 (hg19) VCF-style: chr18-43493703-T-A.
Other names: c.3784A>T, p.Asn1262Tyr (NM_001410858.1, NM_001410859.1); short protein forms N1262Y.
Identifiers: ClinVar variation 2104207 (VCV002104207.4), dbSNP rs2511804511, ClinGen allele CA402341178.